The following is an entry in ClinVar:

NM_001375567.1(FOCAD):c.1040C>T (p.Ser347Phe)

Gene: FOCAD (focadhesin; plus strand). Cytogenetic location: 9p21.3.
Variant type: single nucleotide variant.
Coding change: c.1040C>T on transcript NM_001375567.1 (MANE Select); coding-DNA position 1040, C replaced by T.
Protein change: p.Ser347Phe; replaces serine 347 with phenylalanine.
Molecular consequence: missense variant.
Genome position (GRCh38, 1-based): chr9:20,781,772, C>T. VCF-style: chr9-20781772-C-T. GRCh37 (hg19) VCF-style: chr9-20781771-C-T.
Other names: c.1040C>T, p.Ser347Phe (NM_001375568.1, NM_017794.5); c.935C>T, p.Ser312Phe (NM_001375570.1); short protein forms S312F, S347F.
Identifiers: ClinVar variation 4722133 (VCV004722133.1).

ClinVar aggregate classification (germline): Uncertain significance (1 of 4 stars; one submission).

gnomAD v4.1: 12 of 1,613,908 alleles (0.00074%); highest among the groups gnomAD compares: African/African-American, 0.0013%; no homozygotes.

Submission:

Labcorp Genetics (formerly Invitae), Labcorp
Classification: Uncertain significance. Last evaluated: 2025-09-28. Review status: criteria provided, single submitter. Criteria: Invitae Variant Classification Sherloc (09022015). Collection method: clinical testing. Allele origin: germline.
Comment: This sequence change replaces serine, which is neutral and polar, with phenylalanine, which is neutral and non-polar, at codon 347 of the FOCAD protein (p.Ser347Phe). This variant is not present in population databases (gnomAD no frequency). This variant has not been reported in the literature in individuals affected with FOCAD-related conditions. Experimental studies and prediction algorithms are not available or were not evaluated, and the functional significance of this variant is currently unknown. In summary, the available evidence is currently insufficient to determine the role of this variant in disease. Therefore, it has been classified as a Variant of Uncertain Significance.